The following is an entry in ClinVar:

ClinVar aggregate classification (germline): Pathogenic (1 of 4 stars; one submission).

Conditions:
Neuronal ceroid lipofuscinosis. Also called: Neuronal Ceroid Lipofuscinoses. Identifiers: Orphanet 216, Orphanet 79263, MedGen C0027877, MONDO:0016295. Disease mechanism: loss of function.

Submission:

Labcorp Genetics (formerly Invitae), Labcorp
Classification: Pathogenic for Neuronal ceroid lipofuscinosis. Last evaluated: 2024-10-26. Review status: criteria provided, single submitter. Criteria: Invitae Variant Classification Sherloc (09022015). Collection method: clinical testing. Allele origin: germline.
Comment: This sequence change creates a premature translational stop signal (p.Ala160Serfs*88) in the CLN8 gene. While this is not anticipated to result in nonsense mediated decay, it is expected to disrupt the last 127 amino acid(s) of the CLN8 protein. This variant is not present in population databases (gnomAD no frequency). This variant has not been reported in the literature in individuals affected with CLN8-related conditions. ClinVar contains an entry for this variant (Variation ID: 2066828). This variant disrupts a region of the CLN8 protein in which other variant(s) (p.Val236Serfs*8) have been determined to be pathogenic (internal data). This suggests that this is a clinically significant region of the protein, and that variants that disrupt it are likely to be disease-causing. For these reasons, this variant has been classified as Pathogenic.

NM_018941.4(CLN8):c.474_477dup (p.Ala160fs)

Gene: CLN8 (CLN8 transmembrane ER and ERGIC protein; plus strand). Cytogenetic location: 8p23.3.
Variant type: Duplication.
Coding change: c.474_477dup on transcript NM_018941.4 (MANE Select); coding-DNA positions 474 to 477, 4 bases duplicated (TCTA; older notation c.474_477dupTCTA).
Protein change: p.Ala160fs; shifts the reading frame from alanine 160.
Molecular consequence: frameshift variant.
Genome position (GRCh38, 1-based): chr8:1,771,528-1,771,531, TCTA duplicated; duplicating any 4 consecutive bases within chr8:1,771,525-1,771,531 gives the same sequence; the c. name uses the placement nearest the transcript's 3' end. VCF-style (leftmost placement, unchanged base first): chr8-1771524-A-ACTAT. GRCh37 (hg19) VCF-style: chr8-1719690-A-ACTAT.
Other names: short protein forms A160fs.
Identifiers: ClinVar variation 2066828 (VCV002066828.4), dbSNP rs2486442672, ClinGen allele CA2580077988.